The following is an entry in ClinVar:

ClinVar aggregate classification (germline): Uncertain significance (1 of 4 stars; one submission).

Allele frequency attached by ClinVar (database versions not stated): gnomAD exomes below 0.00001; gnomAD 0.00001.
gnomAD v4.1: 3 of 1,604,686 alleles (0.00019%); highest among the groups gnomAD compares: African/African-American, 0.0013%; no homozygotes.

Submission:

Ambry Genetics
Classification: Uncertain significance. Last evaluated: 2022-01-16. Review status: criteria provided, single submitter. Criteria: Ambry Variant Classification Scheme 2023. Collection method: clinical testing. Allele origin: germline.
Comment: The p.P825L variant (also known as c.2474C>T), located in coding exon 21 of the BUB1 gene, results from a C to T substitution at nucleotide position 2474. The proline at codon 825 is replaced by leucine, an amino acid with similar properties. This amino acid position is conserved. In addition, this alteration is predicted to be deleterious by in silico analysis. Since supporting evidence is limited at this time, the clinical significance of this alteration remains unclear.

NM_004336.5(BUB1):c.2474C>T (p.Pro825Leu)

Gene: BUB1 (BUB1 mitotic checkpoint serine/threonine kinase; minus strand). Cytogenetic location: 2q13.
Variant type: single nucleotide variant.
Coding change: c.2474C>T on transcript NM_004336.5 (MANE Select); coding-DNA position 2474, C replaced by T.
Protein change: p.Pro825Leu; replaces proline 825 with leucine.
Molecular consequence: missense variant.
Genome position (GRCh38, 1-based): chr2:110,641,793, G>A on the plus strand (C>T on the coding strand, the complement: BUB1 is on the minus strand). VCF-style: chr2-110641793-G-A. GRCh37 (hg19) VCF-style: chr2-111399370-G-A.
Other names: c.2414C>T, p.Pro805Leu (NM_001278616.2); c.2474C>T, p.Pro825Leu (NM_001278617.2); short protein forms P805L, P825L.
Identifiers: ClinVar variation 1791819 (VCV001791819.2), dbSNP rs1689512903, ClinGen allele CA348090655.
Genomic context (GRCh38, chr2:110,641,793, plus strand): 5'-ATAGATGGCTTTAGTCTTTCCATCAACTGGGTCCCAATGTAGAATTCCCAGGGGTTGGCA[G>A]GCTTTTGGACCTGCAAATCAGGTATGTGAAATTCATATCCAATCTCGTATTCTGAAAAAT-3'
Protein context (NP_004327.1, residues 815-835): KQKFVLKVQK[Pro825Leu]ANPWEFYIGT